The following is an entry in ClinVar:

ClinVar aggregate classification (germline): Likely benign (0 of 4 stars; one submission).

Conditions:
CFAP251-related disorder. Also called: CFAP251-related condition.

Allele frequency attached by ClinVar (database versions not stated): TOPMed 0.00006; gnomAD 0.00024; gnomAD exomes 0.00036; 1000 Genomes Project 30x 0.00047; 1000 Genomes Project 0.00060; ExAC 0.00083.
gnomAD v4.1: 554 of 1,601,764 alleles (0.035%); highest among the groups gnomAD compares: South Asian, 0.6%; 3 homozygotes.

Submission:

PreventionGenetics, part of Exact Sciences
Classification: Likely benign for CFAP251-related condition. Last evaluated: 2019-07-01. Review status: no assertion criteria provided. Collection method: clinical testing. Allele origin: germline.
Comment: This variant is classified as likely benign based on ACMG/AMP sequence variant interpretation guidelines (Richards et al. 2015 PMID: 25741868, with internal and published modifications).

NM_144668.6(CFAP251):c.1533T>C (p.Asp511=)

Gene: CFAP251 (cilia and flagella associated protein 251; plus strand). Cytogenetic location: 12q24.31.
Variant type: single nucleotide variant.
Coding change: c.1533T>C on transcript NM_144668.6 (MANE Select); coding-DNA position 1533, T replaced by C.
Protein change: p.Asp511=; no amino-acid change (aspartic acid 511 retained).
Molecular consequence: synonymous variant.
Genome position (GRCh38, 1-based): chr12:121,954,332, T>C. VCF-style: chr12-121954332-T-C. GRCh37 (hg19) VCF-style: chr12-122392238-T-C.
Other names: c.1533T>C, p.Asp511= (NM_001178003.2).
Identifiers: ClinVar variation 3042607 (VCV003042607.2), dbSNP rs576781184, ClinGen allele CA6840644.